The following is an entry in ClinVar:

ClinVar aggregate classification (germline): Uncertain significance. Review status: criteria provided, multiple submitters, no conflicts (2 of 4 stars). 2 submissions from 2 submitters: Uncertain significance (2). Last evaluated 2024-11-13.

Allele frequency attached by ClinVar (database versions not stated): 1000 Genomes Project 0.00020; 1000 Genomes Project 30x 0.00031; TOPMed 0.00038; gnomAD 0.00039 and 0.00041; ESP Exome Variant Server 0.00078; gnomAD exomes 0.00079.
gnomAD v4.1: 1,187 of 1,610,734 alleles (0.074%); highest among the groups gnomAD compares: East Asian, 0.11%; 1 homozygote.

Submissions (2):

Blueprint Genetics
Classification: Uncertain significance. Last evaluated: 2024-11-13. Review status: criteria provided, single submitter. Criteria: ACMG Guidelines, 2015. Collection method: clinical testing. Allele origin: germline.

Labcorp Genetics (formerly Invitae), Labcorp
Classification: Uncertain significance. Last evaluated: 2024-01-29. Review status: criteria provided, single submitter. Criteria: Invitae Variant Classification Sherloc (09022015). Collection method: clinical testing. Allele origin: germline.
Comment: This sequence change replaces arginine, which is basic and polar, with cysteine, which is neutral and slightly polar, at codon 2371 of the LAMA5 protein (p.Arg2371Cys). This variant is present in population databases (rs149456369, gnomAD 0.06%). This variant has not been reported in the literature in individuals affected with LAMA5-related conditions. ClinVar contains an entry for this variant (Variation ID: 1362606). Advanced modeling of protein sequence and biophysical properties (such as structural, functional, and spatial information, amino acid conservation, physicochemical variation, residue mobility, and thermodynamic stability) has been performed at Invitae for this missense variant, however the output from this modeling did not meet the statistical confidence thresholds required to predict the impact of this variant on LAMA5 protein function. In summary, the available evidence is currently insufficient to determine the role of this variant in disease. Therefore, it has been classified as a Variant of Uncertain Significance.

NM_005560.6(LAMA5):c.7111C>T (p.Arg2371Cys)

Gene: LAMA5 (laminin subunit alpha 5; minus strand). Cytogenetic location: 20q13.33.
Variant type: single nucleotide variant.
Coding change: c.7111C>T on transcript NM_005560.6 (MANE Select); coding-DNA position 7111, C replaced by T.
Protein change: p.Arg2371Cys; replaces arginine 2371 with cysteine.
Molecular consequence: missense variant.
Genome position (GRCh38, 1-based): chr20:62,318,582, G>A on the plus strand (C>T on the coding strand, the complement: LAMA5 is on the minus strand). VCF-style: chr20-62318582-G-A. GRCh37 (hg19) VCF-style: chr20-60893638-G-A.
Other names: short protein forms R2371C.
Identifiers: ClinVar variation 1362606 (VCV001362606.5), dbSNP rs149456369, ClinGen allele CA9941423.